The following is an entry in ClinVar:

ClinVar aggregate classification (germline): Likely pathogenic (1 of 4 stars; one submission).

Submission:

GeneDx
Classification: Likely pathogenic. Last evaluated: 2024-12-08. Review status: criteria provided, single submitter. Criteria: GeneDx Variant Classification Process June 2021. Collection method: clinical testing. Allele origin: germline. Affected: yes.
Comment: Not observed at significant frequency in large population cohorts (gnomAD); In silico analysis supports that this missense variant has a deleterious effect on protein structure/function; This variant is associated with the following publications: (PMID: 27601211)

NM_020919.4(ALS2):c.368G>A (p.Cys123Tyr)

Gene: ALS2 (alsin Rho guanine nucleotide exchange factor ALS2; minus strand). Cytogenetic location: 2q33.1.
Variant type: single nucleotide variant.
Coding change: c.368G>A on transcript NM_020919.4 (MANE Select); coding-DNA position 368, G replaced by A.
Protein change: p.Cys123Tyr; replaces cysteine 123 with tyrosine.
Molecular consequence: missense variant.
Genome position (GRCh38, 1-based): chr2:201,761,626, C>T on the plus strand (G>A on the coding strand, the complement: ALS2 is on the minus strand). VCF-style: chr2-201761626-C-T. GRCh37 (hg19) VCF-style: chr2-202626349-C-T.
Other names: c.368G>A, p.Cys123Tyr (NM_001135745.2); short protein forms C123Y.
Identifiers: ClinVar variation 389830 (VCV000389830.4), dbSNP rs1057523547, ClinGen allele CA16604344.
Genomic context (GRCh38, chr2:201,761,626, plus strand): 5'-TCAGAATCAGCAATGCTGACAGGATTTGGTTCCGGCACATACTGCTGGTTGGCTACTGCA[C>T]ACTGGCCAGCAGAATTCTCTCCCCACATGTACGCGACACCATTGTCTGTCACTGCTCCAC-3'
Protein context (NP_065970.2, residues 113-133): YMWGENSAGQ[Cys123Tyr]AVANQQYVPE